The following is an entry in ClinVar:

ClinVar aggregate classification (germline): Likely benign (1 of 4 stars; one submission).

Conditions:
HAAO-related disorder. Also called: HAAO-related condition.

gnomAD v4.1: 131 of 1,567,308 alleles (0.0084%); highest among the groups gnomAD compares: Non-Finnish European, 0.01%; no homozygotes.

Submission:

PreventionGenetics, part of Exact Sciences
Classification: Likely benign for HAAO-related condition. Last evaluated: 2025-06-30. Review status: criteria provided, single submitter. Criteria: ACMG Guidelines, 2015. Collection method: clinical testing. Allele origin: germline.
Comment: This variant is classified as likely benign based on ACMG/AMP sequence variant interpretation guidelines (Richards et al. 2015 PMID: 25741868, with internal and published modifications).

NM_012205.3(HAAO):c.711G>A (p.Ser237=)

Gene: HAAO (3-hydroxyanthranilate 3,4-dioxygenase; minus strand). Cytogenetic location: 2p21.
Variant type: single nucleotide variant.
Coding change: c.711G>A on transcript NM_012205.3 (MANE Select); coding-DNA position 711, G replaced by A.
Protein change: p.Ser237=; no amino-acid change (serine 237 retained).
Molecular consequence: synonymous variant.
Genome position (GRCh38, 1-based): chr2:42,767,666, C>T on the plus strand (G>A on the coding strand, the complement: HAAO is on the minus strand). VCF-style: chr2-42767666-C-T. GRCh37 (hg19) VCF-style: chr2-42994806-C-T.
Identifiers: ClinVar variation 4981570 (VCV004981570.1).
Genomic context (GRCh38, chr2:42,767,666, plus strand): 5'-TAGCACCAGGAGGCTGTCATCAGGGGCCAGGCTCAGGCGCCGTCCCCCCATTGTCACCAC[C>T]GAGGAGCCCTCCTGGAGAAGAGGAGCAGGAGAATCAAATGGAGACTGTTGGGCCTCATCA-3'
Protein context (NP_036337.2, residues 227-247): DVWLWQLEGS[Ser237=]VVTMGGRRLS